The following is an entry in ClinVar:

NM_002900.3(RBP3):c.1603C>T (p.Arg535Cys)

Gene: RBP3 (retinol binding protein 3; plus strand). Cytogenetic location: 10q11.22.
Variant type: single nucleotide variant.
Coding change: c.1603C>T on transcript NM_002900.3 (MANE Select); coding-DNA position 1603, C replaced by T.
Protein change: p.Arg535Cys; replaces arginine 535 with cysteine.
Molecular consequence: missense variant.
Genome position (GRCh38, 1-based): chr10:47,350,087, C>T. VCF-style: chr10-47350087-C-T. GRCh37 (hg19) VCF-style: chr10-48389275-G-A.
Other names: short protein forms R535C.
Identifiers: ClinVar variation 208308 (VCV000208308.7), dbSNP rs143632019, ClinGen allele CA350909.

ClinVar aggregate classification (germline): Uncertain significance. Review status: criteria provided, multiple submitters, no conflicts (2 of 4 stars). 4 submissions from 4 submitters: Uncertain significance (3). 1 of the submissions does not count toward it. Last evaluated 2024-07-11.

Conditions:
Retinitis pigmentosa 66 (RP66). Identifiers: Orphanet 791, MedGen C3715216, MONDO:0014093, OMIM 615233.
Retinal dystrophy. Also called: Inherited retinal dystrophy. Identifiers: Orphanet 71862, MedGen C0854723, MeSH D058499, MONDO:0019118, HP:0000556.

Allele frequency attached by ClinVar (database versions not stated): TOPMed 0.00007; gnomAD 0.00008 and 0.00010; ESP Exome Variant Server 0.00023.
gnomAD v4.1: 273 of 1,612,932 alleles (0.017%); highest among the groups gnomAD compares: East Asian, 0.029%; no homozygotes.

Submissions (4):

Blueprint Genetics
Classification: Uncertain significance. Last evaluated: 2024-07-11. Review status: criteria provided, single submitter. Criteria: ACMG Guidelines, 2015. Collection method: clinical testing. Allele origin: germline.

Dept Of Ophthalmology, Nagoya University
Classification: Uncertain significance for Retinal dystrophy. Last evaluated: 2023-10-01. Review status: criteria provided, single submitter. Criteria: Submitter's publication. Collection method: research. Allele origin: germline. Affected: yes.

Labcorp Genetics (formerly Invitae), Labcorp
Classification: Uncertain significance. Last evaluated: 2023-05-23. Review status: criteria provided, single submitter. Criteria: Invitae Variant Classification Sherloc (09022015). Collection method: clinical testing. Allele origin: germline.
Comment: In summary, the available evidence is currently insufficient to determine the role of this variant in disease. Therefore, it has been classified as a Variant of Uncertain Significance. An algorithm developed to predict the effect of missense changes on protein structure and function (PolyPhen-2) suggests that this variant is likely to be disruptive. ClinVar contains an entry for this variant (Variation ID: 208308). This missense change has been observed in individual(s) with retinitis pigmentosa (PMID: 19074801). This variant is present in population databases (rs143632019, gnomAD 0.02%). This sequence change replaces arginine, which is basic and polar, with cysteine, which is neutral and slightly polar, at codon 535 of the RBP3 protein (p.Arg535Cys).

ClinVar Staff, National Center for Biotechnology Information (NCBI)
Classification: Uncertain significance for Retinitis pigmentosa 66. Last evaluated: 2013-06-27. Review status: no assertion criteria provided. Collection method: literature only. Allele origin: germline. Affected: yes. Not counted in ClinVar's aggregate classification.

Literature cited by the submitters: PubMed 19074801 (cited by Labcorp Genetics (formerly Invitae), Labcorp and ClinVar Staff, National Center for Biotechnology Information (NCBI)).